The following is an entry in ClinVar:

ClinVar aggregate classification (germline): Benign/Likely benign. Review status: criteria provided, multiple submitters, no conflicts (2 of 4 stars). 3 submissions from 3 submitters: Benign (2); Likely benign (1). Last evaluated 2026-05-10.

Conditions:
IL21R-related disorder. Also called: IL21R-related condition.
Cryptosporidiosis-chronic cholangitis-liver disease syndrome. Also called: IL21R immunodeficiency; Immunodeficiency type 56. Identifiers: Orphanet 357329, MedGen C3554687, MONDO:0014082, OMIM 615207.

Allele frequency attached by ClinVar (database versions not stated): gnomAD exomes 0.00112; ExAC 0.00142; ESP Exome Variant Server 0.00409; gnomAD 0.00423 and 0.00454; TOPMed 0.00468; 1000 Genomes Project 0.00579; 1000 Genomes Project 30x 0.00640.
gnomAD v4.1: 1,254 of 1,613,116 alleles (0.078%); highest among the groups gnomAD compares: African/African-American, 1.5%; 6 homozygotes.

Submissions (3):

PreventionGenetics, part of Exact Sciences
Classification: Benign for IL21R-related condition. Last evaluated: 2026-05-10. Review status: criteria provided, single submitter. Criteria: ACMG Guidelines, 2015. Collection method: clinical testing. Allele origin: germline.
Comment: This variant is classified as benign based on ACMG/AMP sequence variant interpretation guidelines (Richards et al. 2015 PMID: 25741868, with internal and published modifications).

Labcorp Genetics (formerly Invitae), Labcorp
Classification: Benign for Cryptosporidiosis-chronic cholangitis-liver disease syndrome. Last evaluated: 2026-01-28. Review status: criteria provided, single submitter. Criteria: Invitae Variant Classification Sherloc (09022015). Collection method: clinical testing. Allele origin: germline.

Blueprint Genetics
Classification: Likely benign. Last evaluated: 2024-11-06. Review status: criteria provided, single submitter. Criteria: ACMG Guidelines, 2015. Collection method: clinical testing. Allele origin: germline.

NM_181078.3(IL21R):c.954C>G (p.Ser318Arg)

Genes: IL21R (interleukin 21 receptor; plus strand), IL21R-AS1 (IL21R antisense RNA 1; minus strand). Cytogenetic location: 16p12.1.
Variant type: single nucleotide variant.
Coding change: c.954C>G on transcript NM_181078.3 (MANE Select); coding-DNA position 954, C replaced by G.
Protein change: p.Ser318Arg; replaces serine 318 with arginine.
Molecular consequence: missense variant. On other transcripts: non-coding transcript variant (1).
Genome position (GRCh38, 1-based): chr16:27,448,620, C>G. VCF-style: chr16-27448620-C-G. GRCh37 (hg19) VCF-style: chr16-27459941-C-G.
Other names: c.954C>G, p.Ser318Arg (NM_021798.4); c.1020C>G, p.Ser340Arg (NM_181079.5); short protein forms S340R, S318R.
Identifiers: ClinVar variation 541000 (VCV000541000.14), dbSNP rs3093385, ClinGen allele CA7975118.